The following is an entry in ClinVar:

ClinVar aggregate classification (germline): Likely benign. Review status: criteria provided, multiple submitters, no conflicts (2 of 4 stars). 2 submissions from 2 submitters: Likely benign (2). Last evaluated 2025-03-01.

Allele frequency attached by ClinVar (database versions not stated): gnomAD exomes 0.00002; ExAC 0.00003; gnomAD 0.00003.
gnomAD v4.1: 39 of 1,614,074 alleles (0.0024%); highest among the groups gnomAD compares: Non-Finnish European, 0.003%; no homozygotes.

Submissions (2):

Labcorp Genetics (formerly Invitae), Labcorp
Classification: Likely benign. Last evaluated: 2025-03-01. Review status: criteria provided, single submitter. Criteria: Invitae Variant Classification Sherloc (09022015). Collection method: clinical testing. Allele origin: germline.

CeGaT Center for Human Genetics Tuebingen
Classification: Likely benign. Last evaluated: 2023-08-01. Review status: criteria provided, single submitter. Criteria: CeGaT Center For Human Genetics Tuebingen Variant Classification Criteria Version 2. Collection method: clinical testing. Allele origin: germline. Affected: yes. Observed: 2 variant alleles.
Comment: WDR62: BP4, BP7

NM_001083961.2(WDR62):c.327C>T (p.Thr109=)

Gene: WDR62 (WD repeat domain 62; plus strand). Cytogenetic location: 19q13.12.
Variant type: single nucleotide variant.
Coding change: c.327C>T on transcript NM_001083961.2 (MANE Select); coding-DNA position 327, C replaced by T.
Protein change: p.Thr109=; no amino-acid change (threonine 109 retained).
Molecular consequence: synonymous variant.
Genome position (GRCh38, 1-based): chr19:36,060,025, C>T. VCF-style: chr19-36060025-C-T. GRCh37 (hg19) VCF-style: chr19-36550927-C-T.
Other names: c.327C>T, p.Thr109= (NM_001411145.1, NM_001411146.1, NM_001411147.1 and 1 more transcripts).
Identifiers: ClinVar variation 2578823 (VCV002578823.26), dbSNP rs751586049, ClinGen allele CA9395224.